The following is an entry in ClinVar:

NM_145239.3(PRRT2):c.1012+42T>C

Genes: MVP-DT (MVP divergent transcript; minus strand), PRRT2 (proline rich transmembrane protein 2; plus strand). Cytogenetic location: 16p11.2.
Variant type: single nucleotide variant.
Coding change: c.1012+42T>C on transcript NM_145239.3 (MANE Select); 42 bases into the intron after coding-DNA position 1012, T replaced by C.
Molecular consequence: intron variant. On other transcripts: synonymous variant (1), 3 prime UTR variant (1).
Genome position (GRCh38, 1-based): chr16:29,814,507, T>C. VCF-style: chr16-29814507-T-C. GRCh37 (hg19) VCF-style: chr16-29825828-T-C.
Other names: c.1054T>C, p.Leu352= (NM_001256442.2); c.*553T>C (NM_001256443.2).
Identifiers: ClinVar variation 2646372 (VCV002646372.24), dbSNP rs1900146912, ClinGen allele CA494583107.
Genomic context (GRCh38, chr16:29,814,507, plus strand): 5'-TGCGTCATCAACTTAGGCGGTGAGTGGGGGCTTGGGACAGGCAGGGGAGGAATGGAAGGG[T>C]TGGCAAGGGCAGCTTTACTAACCCCTGCCCCTGCTCTCTCCTGTCTGTCCTCCTTACCTC-3'

ClinVar aggregate classification (germline): Likely benign (1 of 4 stars; one submission).

Allele frequency attached by ClinVar (database versions not stated): TOPMed below 0.00001; gnomAD 0.00001.

Submission:

CeGaT Center for Human Genetics Tuebingen
Classification: Likely benign. Last evaluated: 2022-08-01. Review status: criteria provided, single submitter. Criteria: CeGaT Center For Human Genetics Tuebingen Variant Classification Criteria Version 2. Collection method: clinical testing. Allele origin: germline. Affected: yes. Observed: 1 variant allele.
Comment: PRRT2: BP4, BP7